The following is an entry in ClinVar:

ClinVar aggregate classification (germline): Benign. Review status: criteria provided, multiple submitters, no conflicts (2 of 4 stars). 4 submissions from 3 submitters: Benign (4). Last evaluated 2018-07-03.

Conditions:
Muscular dystrophy-dystroglycanopathy (congenital with brain and eye anomalies), type A6. Also called: MUSCULAR DYSTROPHY-DYSTROGLYCANOPATHY (CONGENITAL WITH BRAIN AND EYE ANOMALIES), TYPE A, 6; WALKER-WARBURG SYNDROME OR MUSCLE-EYE-BRAIN DISEASE, LARGE-RELATED. Identifiers: Orphanet 588, Orphanet 899, MedGen C3150414, MONDO:0013158, OMIM 613154.
Muscular dystrophy-dystroglycanopathy type B6 (MDDGB6). Also called: MUSCULAR DYSTROPHY, CONGENITAL, LARGE-RELATED; MUSCULAR DYSTROPHY, CONGENITAL, TYPE 1D; MUSCULAR DYSTROPHY-DYSTROGLYCANOPATHY (CONGENITAL WITH IMPAIRED INTELLECTUAL DEVELOPMENT), TYPE B, 6. Identifiers: MedGen C1837229, MONDO:0012138, OMIM 608840.

Allele frequency attached by ClinVar (database versions not stated): gnomAD exomes 0.28689; gnomAD 0.29884; TOPMed 0.29886; 1000 Genomes Project 30x 0.30590; 1000 Genomes Project 0.30891.
gnomAD v4.1: 44,967 of 152,012 alleles (30%); highest among the groups gnomAD compares: East Asian, 54%; 7,988 homozygotes.

Submissions (4):

GeneDx
Classification: Benign. Last evaluated: 2018-07-03. Review status: criteria provided, single submitter. Criteria: GeneDx Variant Classification Process June 2021. Collection method: clinical testing. Allele origin: germline. Affected: yes.

Illumina Laboratory Services, Illumina
Classification: Benign for Muscular dystrophy-dystroglycanopathy type B6. Last evaluated: 2018-01-12. Review status: criteria provided, single submitter. Criteria: ICSL Variant Classification Criteria 13 December 2019. Collection method: clinical testing. Allele origin: germline.
Comment: This variant was observed in the ICSL laboratory as part of a predisposition screen in an ostensibly healthy population. It had not been previously curated by ICSL or reported in the Human Gene Mutation Database (HGMD: prior to June 1st, 2018), and was therefore a candidate for classification through an automated scoring system. Utilizing variant allele frequency, disease prevalence and penetrance estimates, and inheritance mode, an automated score was calculated to assess if this variant is too frequent to cause the disease. Based on the score and internal cut-off values, a variant classified as benign is not then subjected to further curation. The score for this variant resulted in a classification of benign for this disease.

Illumina Laboratory Services, Illumina
Classification: Benign for Muscular dystrophy-dystroglycanopathy (congenital with brain and eye anomalies), type A6. Last evaluated: 2018-01-12. Review status: criteria provided, single submitter. Criteria: ICSL Variant Classification Criteria 13 December 2019. Collection method: clinical testing. Allele origin: germline.
Comment: the same text as in the submission from Illumina Laboratory Services, Illumina above.

Breakthrough Genomics
Classification: Benign. Review status: criteria provided, single submitter. Criteria: ACMG Guidelines, 2015. Collection method: not provided. Allele origin: germline. Inheritance: Autosomal recessive inheritance. Affected: yes.

NM_133642.5(LARGE1):c.-177C>T

Genes: LARGE1 (LARGE xylosyl- and glucuronyltransferase 1; minus strand), LOC130067280 (ATAC-STARR-seq lymphoblastoid silent region 13648; plus strand). Cytogenetic location: 22q12.3.
Variant type: single nucleotide variant.
Coding change: c.-177C>T on transcript NM_133642.5 (MANE Select); 177 bases upstream of the start codon, C replaced by T.
Molecular consequence: 5 prime UTR variant. On other transcripts: intron variant (5).
Genome position (GRCh38, 1-based): chr22:33,920,089, G>A on the plus strand (C>T on the coding strand, the complement: LARGE1 is on the minus strand). VCF-style: chr22-33920089-G-A. GRCh37 (hg19) VCF-style: chr22-34316077-G-A.
Other names: c.-177C>T (NM_001378628.1, NM_001378629.1); c.-240C>T (NM_004737.7); c.-83+2532C>T (NM_001362953.2); c.-146+2532C>T (NM_001362949.2); c.-83+2388C>T (NM_001378627.1, NM_001362951.2); c.-146+2388C>T (NM_001378624.1).
Identifiers: ClinVar variation 341444 (VCV000341444.8), dbSNP rs3210587, ClinGen allele CA10654103.
Genomic context (GRCh38, chr22:33,920,089, plus strand): 5'-CGGAAGAACAGGGTGGCGCGGCGGCGCCGCCGCCTACGAGGCGCAGGGGGTCCGGGTCAG[G>A]GTCCCGGCAGGCGCTGCCCTACTCGGAGCGGCGGTGCCAAGCACAGAGTTCGGGACTGCC-3'